The following is an entry in ClinVar:

NM_018941.4(CLN8):c.318C>T (p.His106=)

Gene: CLN8 (CLN8 transmembrane ER and ERGIC protein; plus strand). Cytogenetic location: 8p23.3.
Variant type: single nucleotide variant.
Coding change: c.318C>T on transcript NM_018941.4 (MANE Select); coding-DNA position 318, C replaced by T.
Protein change: p.His106=; no amino-acid change (histidine 106 retained).
Molecular consequence: synonymous variant.
Genome position (GRCh38, 1-based): chr8:1,771,372, C>T. VCF-style: chr8-1771372-C-T. GRCh37 (hg19) VCF-style: chr8-1719538-C-T.
Identifiers: ClinVar variation 377699 (VCV000377699.21), dbSNP rs184988046, ClinGen allele CA4599248.

ClinVar aggregate classification (germline): Benign/Likely benign. Review status: criteria provided, multiple submitters, no conflicts (2 of 4 stars). 6 submissions from 6 submitters: Benign (1); Likely benign (5). Last evaluated 2026-02-04.

Conditions:
CLN8-related disorder. Also called: CLN8-related condition.
Neuronal ceroid lipofuscinosis. Also called: Neuronal Ceroid Lipofuscinoses. Identifiers: Orphanet 216, Orphanet 79263, MedGen C0027877, MONDO:0016295. Disease mechanism: loss of function.
Inborn genetic diseases. Identifiers: MedGen C0950123, MeSH D030342.

Allele frequency attached by ClinVar (database versions not stated): gnomAD exomes 0.00010 and 0.00014; ExAC 0.00011; gnomAD 0.00018; TOPMed 0.00039; 1000 Genomes Project 30x 0.00109; 1000 Genomes Project 0.00120.

Submissions (6):

Labcorp Genetics (formerly Invitae), Labcorp
Classification: Benign for Neuronal ceroid lipofuscinosis. Last evaluated: 2026-02-04. Review status: criteria provided, single submitter. Criteria: Invitae Variant Classification Sherloc (09022015). Collection method: clinical testing. Allele origin: germline.

PreventionGenetics, part of Exact Sciences
Classification: Likely benign for CLN8-related condition. Last evaluated: 2024-12-12. Review status: criteria provided, single submitter. Criteria: ACMG Guidelines, 2015. Collection method: clinical testing. Allele origin: germline.
Comment: This variant is classified as likely benign based on ACMG/AMP sequence variant interpretation guidelines (Richards et al. 2015 PMID: 25741868, with internal and published modifications).

Blueprint Genetics
Classification: Likely benign. Last evaluated: 2024-10-15. Review status: criteria provided, single submitter. Criteria: ACMG Guidelines, 2015. Collection method: clinical testing. Allele origin: germline.

ARUP Laboratories, Molecular Genetics and Genomics, ARUP Laboratories
Classification: Likely benign. Last evaluated: 2024-08-09. Review status: criteria provided, single submitter. Criteria: ARUP Molecular Germline Variant Investigation Process 2024. Collection method: clinical testing. Allele origin: germline.

GeneDx
Classification: Likely benign. Last evaluated: 2020-11-05. Review status: criteria provided, single submitter. Criteria: GeneDx Variant Classification Process June 2021. Collection method: clinical testing. Allele origin: germline. Affected: yes.

Ambry Genetics
Classification: Likely benign for Inborn genetic diseases. Last evaluated: 2017-05-17. Review status: criteria provided, single submitter. Criteria: Ambry Variant Classification Scheme 2023. Collection method: clinical testing. Allele origin: germline.